The following is an entry in ClinVar:

NM_001376.5(DYNC1H1):c.13403C>G (p.Thr4468Arg)

Gene: DYNC1H1 (dynein cytoplasmic 1 heavy chain 1; plus strand). Cytogenetic location: 14q32.31.
Variant type: single nucleotide variant.
Coding change: c.13403C>G on transcript NM_001376.5 (MANE Select); coding-DNA position 13403, C replaced by G.
Protein change: p.Thr4468Arg; replaces threonine 4468 with arginine.
Molecular consequence: missense variant.
Genome position (GRCh38, 1-based): chr14:102,049,470, C>G. VCF-style: chr14-102049470-C-G. GRCh37 (hg19) VCF-style: chr14-102515807-C-G.
Other names: short protein forms T4468R.
Identifiers: ClinVar variation 2662072 (VCV002662072.1), dbSNP rs899591600, ClinGen allele CA391049061.
Genomic context (GRCh38, chr14:102,049,470, plus strand): 5'-CACCCTGGGCTCTGTGTGCCTTGGCTGCAGGGATCTTGCCTCGGAGCTGGTCCCACTACA[C>G]GGTGCCTGCCGGCATGACCGTCATCCAGTGGGTGTCCGACTTCAGCGAGAGGATCAAACA-3'
Protein context (NP_001367.2, residues 4458-4478): GILPRSWSHY[Thr4468Arg]VPAGMTVIQW

ClinVar aggregate classification (germline): Uncertain significance (1 of 4 stars; one submission).

Submission:

GeneDx
Classification: Uncertain significance. Last evaluated: 2023-04-30. Review status: criteria provided, single submitter. Criteria: GeneDx Variant Classification Process June 2021. Collection method: clinical testing. Allele origin: germline. Affected: yes.
Comment: Not observed at significant frequency in large population cohorts (gnomAD); In silico analysis supports that this missense variant has a deleterious effect on protein structure/function; Has not been previously published as pathogenic or benign to our knowledge; This variant is associated with the following publications: (PMID: 26100331, 25609763, 25512093)